The following is an entry in ClinVar:

ClinVar aggregate classification (germline): Uncertain significance (1 of 4 stars; one submission).

Conditions:
Norman-Roberts syndrome (LIS2). Also called: Lissencephaly 2 (Norman-Roberts type). Identifiers: Orphanet 89844, MedGen C0796089, MONDO:0009760, OMIM 257320.
Familial temporal lobe epilepsy 7. Identifiers: Orphanet 101046, MedGen C4225327, MONDO:0014639, OMIM 616436.

Submission:

Labcorp Genetics (formerly Invitae), Labcorp
Classification: Uncertain significance for Familial temporal lobe epilepsy 7; Norman-Roberts syndrome. Last evaluated: 2023-12-06. Review status: criteria provided, single submitter. Criteria: Invitae Variant Classification Sherloc (09022015). Collection method: clinical testing. Allele origin: germline.
Comment: This sequence change replaces lysine, which is basic and polar, with glutamic acid, which is acidic and polar, at codon 1111 of the RELN protein (p.Lys1111Glu). This variant is not present in population databases (gnomAD no frequency). This variant has not been reported in the literature in individuals affected with RELN-related conditions. ClinVar contains an entry for this variant (Variation ID: 2042365). An algorithm developed to predict the effect of missense changes on protein structure and function (PolyPhen-2) suggests that this variant is likely to be disruptive. In summary, the available evidence is currently insufficient to determine the role of this variant in disease. Therefore, it has been classified as a Variant of Uncertain Significance.

NM_005045.4(RELN):c.3331A>G (p.Lys1111Glu)

Gene: RELN (reelin; minus strand). Cytogenetic location: 7q22.1.
Variant type: single nucleotide variant.
Coding change: c.3331A>G on transcript NM_005045.4 (MANE Select); coding-DNA position 3331, A replaced by G.
Protein change: p.Lys1111Glu; replaces lysine 1111 with glutamic acid.
Molecular consequence: missense variant.
Genome position (GRCh38, 1-based): chr7:103,603,306, T>C on the plus strand (A>G on the coding strand, the complement: RELN is on the minus strand). VCF-style: chr7-103603306-T-C. GRCh37 (hg19) VCF-style: chr7-103243753-T-C.
Other names: c.3331A>G, p.Lys1111Glu (NM_173054.3); short protein forms K1111E.
Identifiers: ClinVar variation 2042365 (VCV002042365.4), dbSNP rs2484734951, ClinGen allele CA368762747.